The following is an entry in ClinVar:

ClinVar aggregate classification (germline): Uncertain significance (1 of 4 stars; one submission).

Submission:

GeneDx
Classification: Uncertain significance. Last evaluated: 2026-03-26. Review status: criteria provided, single submitter. Criteria: GeneDx Variant Classification Process June 2021. Collection method: clinical testing. Allele origin: germline.
Comment: Not observed at significant frequency in large population cohorts (gnomAD); In silico analysis supports that this missense variant has a deleterious effect on protein structure/function; Has not been previously published as pathogenic or benign to our knowledge

NM_005585.5(SMAD6):c.1378G>C (p.Asp460His)

Gene: SMAD6 (SMAD family member 6; plus strand). Cytogenetic location: 15q22.31.
Variant type: single nucleotide variant.
Coding change: c.1378G>C on transcript NM_005585.5 (MANE Select); coding-DNA position 1378, G replaced by C.
Protein change: p.Asp460His; replaces aspartic acid 460 with histidine.
Molecular consequence: missense variant. On other transcripts: non-coding transcript variant (1).
Genome position (GRCh38, 1-based): chr15:66,781,422, G>C. VCF-style: chr15-66781422-G-C. GRCh37 (hg19) VCF-style: chr15-67073760-G-C.
Other names: short protein forms D460H.
Identifiers: ClinVar variation 5017597 (VCV005017597.1).